The following is an entry in ClinVar:

ClinVar aggregate classification (germline): Pathogenic (1 of 4 stars; one submission).

Submission:

Labcorp Genetics (formerly Invitae), Labcorp
Classification: Pathogenic. Last evaluated: 2025-06-16. Review status: criteria provided, single submitter. Criteria: Invitae Variant Classification Sherloc (09022015). Collection method: clinical testing. Allele origin: germline.
Comment: This sequence change creates a premature translational stop signal (p.Lys910Argfs*44) in the ALPK3 gene. It is expected to result in an absent or disrupted protein product. Loss-of-function variants in ALPK3 are known to be pathogenic (PMID: 21441111, 26846950, 27106955, 34263907). This variant is not present in population databases (gnomAD no frequency). This variant has not been reported in the literature in individuals affected with ALPK3-related conditions. ClinVar contains an entry for this variant (Variation ID: 2849730). For these reasons, this variant has been classified as Pathogenic.

Literature cited by the submitters: PubMed 21441111; PubMed 26846950; PubMed 27106955; PubMed 34263907.

NM_020778.5(ALPK3):c.2123del (p.Lys708fs)

Gene: ALPK3 (alpha kinase 3; plus strand). Cytogenetic location: 15q25.3.
Variant type: Deletion.
Coding change: c.2123del on transcript NM_020778.5 (MANE Select); coding-DNA position 2123, one base deleted (A; older notation c.2123delA).
Protein change: p.Lys708fs; shifts the reading frame from lysine 708.
Molecular consequence: frameshift variant.
Genome position (GRCh38, 1-based): chr15:84,856,861, A deleted; the last of 2 consecutive A bases (chr15:84,856,860-84,856,861); deleting either gives the same sequence. VCF-style (leftmost placement, unchanged base first): chr15-84856859-GA-G. GRCh37 (hg19) VCF-style: chr15-85400090-GA-G.
Other names: short protein forms K708fs.
Identifiers: ClinVar variation 2849730 (VCV002849730.3), dbSNP rs2505719661, ClinGen allele CA2739269698.